The following is an entry in ClinVar:

NM_017514.5(PLXNA3):c.3080G>A (p.Arg1027His)

Gene: PLXNA3 (plexin A3; plus strand). Cytogenetic location: Xq28.
Variant type: single nucleotide variant.
Coding change: c.3080G>A on transcript NM_017514.5 (MANE Select); coding-DNA position 3080, G replaced by A.
Protein change: p.Arg1027His; replaces arginine 1027 with histidine.
Molecular consequence: missense variant.
Genome position (GRCh38, 1-based): chrX:154,466,766, G>A. VCF-style: chrX-154466766-G-A. GRCh37 (hg19) VCF-style: chrX-153695109-G-A.
Other names: short protein forms R1027H.
Identifiers: ClinVar variation 2229973 (VCV002229973.4), dbSNP rs201094369, ClinGen allele CA10564550.

ClinVar aggregate classification (germline): Uncertain significance. Review status: criteria provided, multiple submitters, no conflicts (2 of 4 stars). 2 submissions from 2 submitters: Uncertain significance (2). Last evaluated 2026-08-24.

Conditions:
PLXNA3-related disorder. Also called: PLXNA3-related condition.

Allele frequency attached by ClinVar (database versions not stated): ExAC 0.00020; 1000 Genomes Project 30x 0.00021; 1000 Genomes Project 0.00026.

Submissions (2):

PreventionGenetics, part of Exact Sciences
Classification: Uncertain significance for PLXNA3-related condition. Last evaluated: 2026-08-24. Review status: criteria provided, single submitter. Criteria: ACMG Guidelines, 2015. Collection method: clinical testing. Allele origin: germline.
Comment: The PLXNA3 c.3080G>A variant is predicted to result in the amino acid substitution p.Arg1027His. To our knowledge, this variant has not been reported in the literature. This variant is reported in 0.086% of alleles in individuals of East Asian descent in gnomAD. Although we suspect that this variant may be benign, at this time, the clinical significance of this variant is uncertain due to the absence of conclusive functional and genetic evidence.

Ambry Genetics
Classification: Uncertain significance. Last evaluated: 2024-03-31. Review status: criteria provided, single submitter. Criteria: Ambry Variant Classification Scheme 2023. Collection method: clinical testing. Allele origin: germline.